The following is an entry in ClinVar:

ClinVar aggregate classification (germline): Uncertain significance (1 of 4 stars; one submission).

Conditions:
Ritscher-Schinzel syndrome. Also called: CRANIOCEREBELLOCARDIAC DYSPLASIA. Identifiers: Orphanet 7, MedGen C0796137, MONDO:0019078.
Hereditary spastic paraplegia 8 (SPG8). Also called: SPASTIC PARAPLEGIA 8, AUTOSOMAL DOMINANT. Identifiers: Orphanet 100989, MedGen C1863704, MONDO:0011339, OMIM 603563.

gnomAD v4.1: 1 of 1,614,198 alleles (0.000062%); highest among the groups gnomAD compares: South Asian, 0.0011%; no homozygotes.

Submission:

Labcorp Genetics (formerly Invitae), Labcorp
Classification: Uncertain significance for Ritscher-Schinzel syndrome; Hereditary spastic paraplegia 8. Last evaluated: 2020-01-23. Review status: criteria provided, single submitter. Criteria: Invitae Variant Classification Sherloc (09022015). Collection method: clinical testing. Allele origin: germline.
Comment: In summary, the available evidence is currently insufficient to determine the role of this variant in disease. Therefore, it has been classified as a Variant of Uncertain Significance. Algorithms developed to predict the effect of missense changes on protein structure and function are either unavailable or do not agree on the potential impact of this missense change (SIFT: "Deleterious"; PolyPhen-2: "Probably Damaging"; Align-GVGD: "Class C0"). This variant has been observed in individual(s) with clinical features of hereditary spastic paraplegia (Invitae). This variant is not present in population databases (ExAC no frequency). This sequence change replaces methionine with lysine at codon 634 of the WASHC5 protein (p.Met634Lys). The methionine residue is moderately conserved and there is a moderate physicochemical difference between methionine and lysine.

NM_014846.4(WASHC5):c.1901T>A (p.Met634Lys)

Gene: WASHC5 (WASH complex subunit 5; minus strand). Cytogenetic location: 8q24.13.
Variant type: single nucleotide variant.
Coding change: c.1901T>A on transcript NM_014846.4 (MANE Select); coding-DNA position 1901, T replaced by A.
Protein change: p.Met634Lys; replaces methionine 634 with lysine.
Molecular consequence: missense variant.
Genome position (GRCh38, 1-based): chr8:125,056,792, A>T on the plus strand (T>A on the coding strand, the complement: WASHC5 is on the minus strand). VCF-style: chr8-125056792-A-T. GRCh37 (hg19) VCF-style: chr8-126069034-A-T.
Other names: c.1457T>A, p.Met486Lys (NM_001330609.2); short protein forms M634K, M486K.
Identifiers: ClinVar variation 834521 (VCV000834521.9), dbSNP rs768146940, ClinGen allele CA372191164.
Genomic context (GRCh38, chr8:125,056,792, plus strand): 5'-GTAGGCACTTCAATAATGTCGTGGGTCTGAAGCTTTATGATCTTTAGAAGAGATGTAAAC[A>T]TGCTTTCTGGGATGATCTGCAAAACCTTCAGTGAAAAGGAAAGCAGGAAACGCAATGAAC-3'
Protein context (NP_055661.3, residues 624-644): RKVLQIIPES[Met634Lys]FTSLLKIIKL